The following is an entry in ClinVar:

ClinVar aggregate classification (germline): Benign. Review status: criteria provided, multiple submitters, no conflicts (2 of 4 stars). 4 submissions from 4 submitters: Benign (3). 1 of the submissions does not count toward it. Last evaluated 2026-02-02.

Conditions:
RNF31-related disorder. Also called: RNF31-related condition.

Allele frequency attached by ClinVar (database versions not stated): 1000 Genomes Project 0.00539; 1000 Genomes Project 30x 0.00593; gnomAD 0.00689; ESP Exome Variant Server 0.00716; TOPMed 0.00912.
gnomAD v4.1: 2,848 of 1,614,142 alleles (0.18%); highest among the groups gnomAD compares: African/African-American, 2.6%; 29 homozygotes.

Submissions (4):

Labcorp Genetics (formerly Invitae), Labcorp
Classification: Benign. Last evaluated: 2026-02-02. Review status: criteria provided, single submitter. Criteria: Invitae Variant Classification Sherloc (09022015). Collection method: clinical testing. Allele origin: germline.

Mayo Clinic Laboratories, Mayo Clinic
Classification: Benign. Last evaluated: 2023-09-15. Review status: criteria provided, single submitter. Criteria: ACMG Guidelines, 2015. Collection method: clinical testing. Allele origin: germline. Observed: 4 variant alleles.
Comment: BS1, BS2, BP4

Breakthrough Genomics
Classification: Benign. Review status: criteria provided, single submitter. Criteria: ACMG Guidelines, 2015. Collection method: not provided. Allele origin: germline. Inheritance: Unknown mechanism. Affected: yes.

PreventionGenetics, part of Exact Sciences
Classification: Benign for RNF31-related condition. Last evaluated: 2019-07-01. Review status: no assertion criteria provided. Collection method: clinical testing. Allele origin: germline. Not counted in ClinVar's aggregate classification.
Comment: This variant is classified as benign based on ACMG/AMP sequence variant interpretation guidelines (Richards et al. 2015 PMID: 25741868, with internal and published modifications).

NM_017999.5(RNF31):c.3106G>T (p.Val1036Leu)

Gene: RNF31 (ring finger protein 31; plus strand). Cytogenetic location: 14q12.
Variant type: single nucleotide variant.
Coding change: c.3106G>T on transcript NM_017999.5 (MANE Select); coding-DNA position 3106, G replaced by T.
Protein change: p.Val1036Leu; replaces valine 1036 with leucine.
Molecular consequence: missense variant.
Genome position (GRCh38, 1-based): chr14:24,160,348, G>T. VCF-style: chr14-24160348-G-T. GRCh37 (hg19) VCF-style: chr14-24629557-G-T.
Other names: p.Val1036Leu; c.2653G>T, p.Val885Leu (NM_001310332.2); short protein forms V1036L, V885L.
Identifiers: ClinVar variation 775347 (VCV000775347.15), dbSNP rs76273859, ClinGen allele CA7126269.